The following is an entry in ClinVar:

NM_000548.5(TSC2):c.2587G>A (p.Glu863Lys)

Gene: TSC2 (TSC complex subunit 2; plus strand). Cytogenetic location: 16p13.3.
Variant type: single nucleotide variant.
Coding change: c.2587G>A on transcript NM_000548.5 (MANE Select); coding-DNA position 2587, G replaced by A.
Protein change: p.Glu863Lys; replaces glutamic acid 863 with lysine.
Molecular consequence: missense variant. On other transcripts: non-coding transcript variant (5).
Genome position (GRCh38, 1-based): chr16:2,075,840, G>A. VCF-style: chr16-2075840-G-A. GRCh37 (hg19) VCF-style: chr16-2125841-G-A.
Other names: c.2587G>A, p.Glu863Lys (NM_001077183.3, NM_001114382.3, NM_001363528.2 and 6 more transcripts); c.2476G>A, p.Glu826Lys (NM_001318827.2, NM_001406670.1, NM_001406678.1); c.2440G>A, p.Glu814Lys (NM_001318829.2, NM_001406675.1, NM_001406676.1 and 1 more transcripts); c.1987G>A, p.Glu663Lys (NM_001318831.2, NM_001406680.1, NM_001406682.1 and 6 more transcripts); c.2620G>A, p.Glu874Lys (NM_001318832.2); c.2677G>A, p.Glu893Lys (NM_001406667.1, NM_001406668.1); c.2575G>A, p.Glu859Lys (NM_001406671.1, NM_001406673.1); c.2530G>A, p.Glu844Lys (NM_001406677.1); and 3 more; short protein forms E415K, E863K, E874K, E709K, E859K, E329K, E663K, E814K.
Identifiers: ClinVar variation 2564733 (VCV002564733.2), dbSNP rs2151380836, ClinGen allele CA394278383.

ClinVar aggregate classification (germline): Uncertain significance (1 of 4 stars; one submission).

Conditions:
Hereditary cancer-predisposing syndrome. Also called: Neoplastic Syndromes, Hereditary; Hereditary Cancer Syndrome; Hereditary neoplastic syndrome; Tumor predisposition. Identifiers: Orphanet 140162, MedGen C0027672, MeSH D009386, MONDO:0015356.

Submission:

Ambry Genetics
Classification: Uncertain significance for Hereditary cancer-predisposing syndrome. Last evaluated: 2023-06-12. Review status: criteria provided, single submitter. Criteria: Ambry Variant Classification Scheme 2023. Collection method: clinical testing. Allele origin: germline.
Comment: The p.E863K variant (also known as c.2587G>A), located in coding exon 22 of the TSC2 gene, results from a G to A substitution at nucleotide position 2587. The glutamic acid at codon 863 is replaced by lysine, an amino acid with similar properties. This amino acid position is highly conserved in available vertebrate species. In addition, this alteration is predicted to be deleterious by in silico analysis. Since supporting evidence is limited at this time, the clinical significance of this alteration remains unclear.